The following is an entry in ClinVar:

NM_000051.4(ATM):c.215C>A (p.Thr72Lys)

Gene: ATM (ATM serine/threonine kinase; plus strand). Cytogenetic location: 11q22.3.
Variant type: single nucleotide variant.
Coding change: c.215C>A on transcript NM_000051.4 (MANE Select); coding-DNA position 215, C replaced by A.
Protein change: p.Thr72Lys; replaces threonine 72 with lysine.
Molecular consequence: missense variant.
Genome position (GRCh38, 1-based): chr11:108,229,207, C>A. VCF-style: chr11-108229207-C-A. GRCh37 (hg19) VCF-style: chr11-108099934-C-A.
Other names: c.215C>A (NM_000051.3); c.215C>A, p.Thr72Lys (NM_001351834.2, NM_001351835.2, NM_001351836.2); short protein forms T72K.
Identifiers: ClinVar variation 1514741 (VCV001514741.9), dbSNP rs876658893, ClinGen allele CA382521352.

ClinVar aggregate classification (germline): Uncertain significance. Review status: criteria provided, multiple submitters, no conflicts (2 of 4 stars). 2 submissions from 2 submitters: Uncertain significance (2). Last evaluated 2024-05-09.

Conditions:
Ataxia-telangiectasia syndrome (AT). Also called: Cerebello-oculocutaneous telangiectasia; Immunodeficiency with ataxia telangiectasia; ATAXIA-TELANGIECTASIA, COMPLEMENTATION GROUP A; ATAXIA-TELANGIECTASIA, FRESNO VARIANT; Ataxia-telangiectasia, complementation group E; LOUIS-BAR SYNDROME. Identifiers: Orphanet 100, MedGen C0004135, MONDO:0008840, OMIM 208900.
Hereditary cancer-predisposing syndrome. Also called: Neoplastic Syndromes, Hereditary; Hereditary Cancer Syndrome; Tumor predisposition; Hereditary neoplastic syndrome. Identifiers: Orphanet 140162, MedGen C0027672, MeSH D009386, MONDO:0015356.

Allele frequency attached by ClinVar (database versions not stated): TOPMed below 0.00001.

Submissions (2):

Labcorp Genetics (formerly Invitae), Labcorp
Classification: Uncertain significance for Ataxia-telangiectasia syndrome. Last evaluated: 2024-05-09. Review status: criteria provided, single submitter. Criteria: Invitae Variant Classification Sherloc (09022015). Collection method: clinical testing. Allele origin: germline.
Comment: This sequence change replaces threonine, which is neutral and polar, with lysine, which is basic and polar, at codon 72 of the ATM protein (p.Thr72Lys). This variant is not present in population databases (gnomAD no frequency). This variant has not been reported in the literature in individuals affected with ATM-related conditions. ClinVar contains an entry for this variant (Variation ID: 1514741). Advanced modeling of protein sequence and biophysical properties (such as structural, functional, and spatial information, amino acid conservation, physicochemical variation, residue mobility, and thermodynamic stability) performed at Invitae indicates that this missense variant is not expected to disrupt ATM protein function with a negative predictive value of 95%. In summary, the available evidence is currently insufficient to determine the role of this variant in disease. Therefore, it has been classified as a Variant of Uncertain Significance.

Ambry Genetics
Classification: Uncertain significance for Hereditary cancer-predisposing syndrome. Last evaluated: 2024-02-21. Review status: criteria provided, single submitter. Criteria: Ambry Variant Classification Scheme 2023. Collection method: clinical testing. Allele origin: germline.
Comment: The p.T72K variant (also known as c.215C>A), located in coding exon 3 of the ATM gene, results from a C to A substitution at nucleotide position 215. The threonine at codon 72 is replaced by lysine, an amino acid with similar properties. This amino acid position is well conserved in available vertebrate species. In addition, this alteration is predicted to be tolerated by in silico analysis. Based on the available evidence, the clinical significance of this alteration remains unclear.